The following is an entry in ClinVar:

NM_006231.4(POLE):c.4916T>A (p.Leu1639Gln)

Gene: POLE (DNA polymerase epsilon, catalytic subunit; minus strand). Cytogenetic location: 12q24.33.
Variant type: single nucleotide variant.
Coding change: c.4916T>A on transcript NM_006231.4 (MANE Select); coding-DNA position 4916, T replaced by A.
Protein change: p.Leu1639Gln; replaces leucine 1639 with glutamine.
Molecular consequence: missense variant.
Genome position (GRCh38, 1-based): chr12:132,642,542, A>T on the plus strand (T>A on the coding strand, the complement: POLE is on the minus strand). VCF-style: chr12-132642542-A-T. GRCh37 (hg19) VCF-style: chr12-133219128-A-T.
Other names: short protein forms L1639Q.
Identifiers: ClinVar variation 2084544 (VCV002084544.4), dbSNP rs878854878, ClinGen allele CA387377926.
Genomic context (GRCh38, chr12:132,642,542, plus strand): 5'-CCACAACGACAGTACTGTGCTCACCTGCTCATCTCGAAGGCCTGCGACAGGCAGGTGTCC[A>T]GGTTGAGGTAGTGACGGATCATGCGCCGGGCTCCATGGCGCTGCCAGTCCAGGACCCCAT-3'
Protein context (NP_006222.2, residues 1629-1649): ARRMIRHYLN[Leu1639Gln]DTCLSQAFEM

ClinVar aggregate classification (germline): Uncertain significance (1 of 4 stars; one submission).

Submission:

Labcorp Genetics (formerly Invitae), Labcorp
Classification: Uncertain significance. Last evaluated: 2025-07-27. Review status: criteria provided, single submitter. Criteria: Invitae Variant Classification Sherloc (09022015). Collection method: clinical testing. Allele origin: germline.
Comment: This sequence change replaces leucine, which is neutral and non-polar, with glutamine, which is neutral and polar, at codon 1639 of the POLE protein (p.Leu1639Gln). This variant is not present in population databases (gnomAD no frequency). This variant has not been reported in the literature in individuals affected with POLE-related conditions. ClinVar contains an entry for this variant (Variation ID: 2084544). Invitae Evidence Modeling of protein sequence and biophysical properties (such as structural, functional, and spatial information, amino acid conservation, physicochemical variation, residue mobility, and thermodynamic stability) indicates that this missense variant is not expected to disrupt POLE protein function with a negative predictive value of 80%. In summary, the available evidence is currently insufficient to determine the role of this variant in disease. Therefore, it has been classified as a Variant of Uncertain Significance.